The following is an entry in ClinVar:

ClinVar aggregate classification (germline): Likely pathogenic. Review status: criteria provided, multiple submitters, no conflicts (2 of 4 stars). 4 submissions from 4 submitters: Likely pathogenic (4). Last evaluated 2023-04-11.

Conditions:
Usher syndrome. Also called: Usher's syndrome; Usher Syndromes. Identifiers: Orphanet 886, MedGen CN469326, MeSH D052245, MONDO:0019501. Disease mechanism: loss of function.
Retinitis pigmentosa 39 (RP39). Identifiers: Orphanet 791, MedGen C3151138, MONDO:0013436, OMIM 613809.
Usher syndrome type 2A. Also called: RETINAL DISEASE IN USHER SYNDROME TYPE IIA, MODIFIER OF; USHER SYNDROME, TYPE IIA. Identifiers: Orphanet 231178, Orphanet 886, MedGen C1848634, MONDO:0010169, OMIM 276901.

Allele frequency attached by ClinVar (database versions not stated): TOPMed below 0.00001; gnomAD 0.00001.

Submissions (4):

Genome-Nilou Lab
Classification: Likely pathogenic for Usher syndrome type 2A. Last evaluated: 2023-04-11. Review status: criteria provided, single submitter. Criteria: ACMG Guidelines, 2015. Collection method: clinical testing. Allele origin: germline. Affected: no.

Baylor Genetics
Classification: Likely pathogenic for Retinitis pigmentosa 39. Last evaluated: 2023-02-12. Review status: criteria provided, single submitter. Criteria: ACMG Guidelines, 2015. Collection method: clinical testing. Allele origin: unknown.

Women's Health and Genetics/Laboratory Corporation of America, LabCorp
Classification: Likely pathogenic for Usher syndrome. Last evaluated: 2022-03-04. Review status: criteria provided, single submitter. Criteria: LabCorp Variant Classification Summary - May 2015. Collection method: clinical testing. Allele origin: germline.
Comment: Variant summary: USH2A c.7300+1G>C alters a conserved nucleotide located in a canonical splice-site and is predicted to affect mRNA splicing resulting in a significantly altered protein due to either exon skipping, shortening, or inclusion of intronic material. Several computational tools predict a significant impact on normal splicing: Four predict the variant abolishes the canonical 5' splicing donor site. However, these predictions have yet to be confirmed by functional studies. The variant was absent in 250514 control chromosomes. To our knowledge, no occurrence of c.7300+1G>C in individuals affected with Usher Syndrome and no experimental evidence demonstrating its impact on protein function have been reported. One clinical diagnostic laboratory has submitted clinical-significance assessments for this variant to ClinVar after 2014 without evidence for independent evaluation and classified the variant as likely pathogenic. Based on the evidence outlined above, the variant was classified as likely pathogenic.

Labcorp Genetics (formerly Invitae), Labcorp
Classification: Likely pathogenic. Last evaluated: 2020-07-28. Review status: criteria provided, single submitter. Criteria: Invitae Variant Classification Sherloc (09022015). Collection method: clinical testing. Allele origin: germline.
Comment: This sequence change affects a donor splice site in intron 38 of the USH2A gene. It is expected to disrupt RNA splicing and likely results in an absent or disrupted protein product. In summary, the currently available evidence indicates that the variant is pathogenic, but additional data are needed to prove that conclusively. Therefore, this variant has been classified as Likely Pathogenic. Donor and acceptor splice site variants typically lead to a loss of protein function (PMID: 16199547), and loss-of-function variants in USH2A are known to be pathogenic (PMID: 10729113, 10909849, 20507924, 25649381). Algorithms developed to predict the effect of sequence changes on RNA splicing suggest that this variant may disrupt the consensus splice site, but this prediction has not been confirmed by published transcriptional studies. This variant has not been reported in the literature in individuals with USH2A-related conditions. This variant is not present in population databases (ExAC no frequency).

Literature cited by the submitters: PubMed 16199547 (cited by Labcorp Genetics (formerly Invitae), Labcorp); PubMed 10729113 (cited by Labcorp Genetics (formerly Invitae), Labcorp); PubMed 10909849 (cited by Labcorp Genetics (formerly Invitae), Labcorp); PubMed 20507924 (cited by Labcorp Genetics (formerly Invitae), Labcorp); PubMed 25649381 (cited by Labcorp Genetics (formerly Invitae), Labcorp).

NM_206933.4(USH2A):c.7300+1G>C

Gene: USH2A (usherin; minus strand). Cytogenetic location: 1q41.
Variant type: single nucleotide variant.
Coding change: c.7300+1G>C on transcript NM_206933.4 (MANE Select); the canonical splice donor site of the intron after coding-DNA position 7300, G replaced by C.
Molecular consequence: splice donor variant.
Genome position (GRCh38, 1-based): chr1:215,934,615, C>G on the plus strand (G>C on the coding strand, the complement: USH2A is on the minus strand). VCF-style: chr1-215934615-C-G. GRCh37 (hg19) VCF-style: chr1-216107957-C-G.
Identifiers: ClinVar variation 1066166 (VCV001066166.10), dbSNP rs1343780391, ClinGen allele CA344857088.